The following is an entry in ClinVar:

NM_001375834.1(WIPF1):c.893C>G (p.Pro298Arg)

Gene: WIPF1 (WAS/WASL interacting protein family member 1; minus strand). Cytogenetic location: 2q31.1.
Variant type: single nucleotide variant.
Coding change: c.893C>G on transcript NM_001375834.1 (MANE Select); coding-DNA position 893, C replaced by G.
Protein change: p.Pro298Arg; replaces proline 298 with arginine.
Molecular consequence: missense variant.
Genome position (GRCh38, 1-based): chr2:174,571,912, G>C on the plus strand (C>G on the coding strand, the complement: WIPF1 is on the minus strand). VCF-style: chr2-174571912-G-C. GRCh37 (hg19) VCF-style: chr2-175436640-G-C.
Other names: c.893C>G, p.Pro298Arg (NM_001077269.1, NM_001375832.1, NM_001375833.1 and 5 more transcripts); c.515C>G, p.Pro172Arg (NM_001375839.1); short protein forms P298R, P172R.
Identifiers: ClinVar variation 1964209 (VCV001964209.4), dbSNP rs575913592, ClinGen allele CA1974038.

ClinVar aggregate classification (germline): Uncertain significance (1 of 4 stars; one submission).

Conditions:
Wiskott-Aldrich syndrome 2 (WAS2). Also called: WIPF1 DEFICIENCY. Identifiers: Orphanet 906, MedGen C3281001, MONDO:0013779, OMIM 614493.

gnomAD v4.1: 31 of 1,609,136 alleles (0.0019%); highest among the groups gnomAD compares: African/African-American, 0.0027%; no homozygotes.

Submission:

Labcorp Genetics (formerly Invitae), Labcorp
Classification: Uncertain significance for Wiskott-Aldrich syndrome 2. Last evaluated: 2024-07-29. Review status: criteria provided, single submitter. Criteria: Invitae Variant Classification Sherloc (09022015). Collection method: clinical testing. Allele origin: germline.
Comment: This sequence change replaces proline, which is neutral and non-polar, with arginine, which is basic and polar, at codon 298 of the WIPF1 protein (p.Pro298Arg). This variant is present in population databases (rs575913592, gnomAD 0.007%). This variant has not been reported in the literature in individuals affected with WIPF1-related conditions. ClinVar contains an entry for this variant (Variation ID: 1964209). An algorithm developed to predict the effect of missense changes on protein structure and function (PolyPhen-2) suggests that this variant is likely to be disruptive. In summary, the available evidence is currently insufficient to determine the role of this variant in disease. Therefore, it has been classified as a Variant of Uncertain Significance.